The following is an entry in ClinVar:

NM_001452.2(FOXF2):c.97GCC[5] (p.Ala38_Ala41del)

Genes: FOXF2 (forkhead box F2; plus strand), FOXF2-DT (FOXF2 divergent transcript; minus strand). Cytogenetic location: 6p25.3.
Variant type: Microsatellite.
Coding change: c.97GCC[5] on transcript NM_001452.2 (MANE Select); five copies in a row of the 3-base unit GCC starting at c.97; the reference has nine copies in a row; four copies, 12 bases deleted.
Protein change: p.Ala38_Ala41del.
Genome position (GRCh38, 1-based): chr6:1,390,059-1,390,070, GCCGCCGCCGCC deleted; deleting any 12 consecutive bases within chr6:1,390,042-1,390,070 gives the same sequence; the position shown is the placement nearest the transcript's 3' end. VCF-style (leftmost placement, unchanged base first): chr6-1390041-CCCGCCGCCGCCG-C. GRCh37 (hg19) VCF-style: chr6-1390276-CCCGCCGCCGCCG-C.
Identifiers: ClinVar variation 3047212 (VCV003047212.2), dbSNP rs747033801, ClinGen allele CA3614463.

ClinVar aggregate classification (germline): Likely benign (0 of 4 stars; one submission).

Conditions:
FOXF2-related disorder. Also called: FOXF2-related condition.

Submission:

PreventionGenetics, part of Exact Sciences
Classification: Likely benign for FOXF2-related condition. Last evaluated: 2022-09-01. Review status: no assertion criteria provided. Collection method: clinical testing. Allele origin: germline.
Comment: This variant is classified as likely benign based on ACMG/AMP sequence variant interpretation guidelines (Richards et al. 2015 PMID: 25741868, with internal and published modifications).